The following is an entry in ClinVar:

ClinVar aggregate classification (germline): Conflicting classifications of pathogenicity. Review status: criteria provided, conflicting classifications (1 of 4 stars). 3 submissions from 3 submitters: Uncertain significance (2); Likely benign (1). Last evaluated 2025-02-19.

Conditions:
Orofacial-digital syndrome IV (OFD4). Also called: BARAITSER-BURN SYNDROME; MOHR-MAJEWSKI SYNDROME; Orofaciodigital syndrome IV; OFD SYNDROME WITH TIBIAL DEFECTS; OFD SYNDROME, BARAITSER-BURN TYPE; OFDS IV. Identifiers: Orphanet 2753, MedGen C0406727, MONDO:0009794, OMIM 258860.
Joubert syndrome 18 (JBTS18). Identifiers: Orphanet 2754, MedGen C3553758, MONDO:0013896, OMIM 614815.

gnomAD v4.1: 37 of 1,612,580 alleles (0.0023%); highest among the groups gnomAD compares: Non-Finnish European, 0.0028%; no homozygotes.

Submissions (3):

Women's Health and Genetics/Laboratory Corporation of America, LabCorp
Classification: Uncertain significance. Last evaluated: 2025-02-19. Review status: criteria provided, single submitter. Criteria: LabCorp Variant Classification Summary - May 2015. Collection method: clinical testing. Allele origin: germline.

Labcorp Genetics (formerly Invitae), Labcorp
Classification: Uncertain significance for Joubert syndrome 18; Orofacial-digital syndrome IV. Last evaluated: 2022-10-25. Review status: criteria provided, single submitter. Criteria: Invitae Variant Classification Sherloc (09022015). Collection method: clinical testing. Allele origin: germline.
Comment: Variants that disrupt the consensus splice site are a relatively common cause of aberrant splicing (PMID: 17576681, 9536098). Algorithms developed to predict the effect of sequence changes on RNA splicing suggest that this variant is not likely to affect RNA splicing. This sequence change falls in intron 4 of the TCTN3 gene. It does not directly change the encoded amino acid sequence of the TCTN3 protein. It affects a nucleotide within the consensus splice site. This variant is present in population databases (rs190843846, gnomAD 0.0009%). This variant has not been reported in the literature in individuals affected with TCTN3-related conditions. In summary, the available evidence is currently insufficient to determine the role of this variant in disease. Therefore, it has been classified as a Variant of Uncertain Significance.

Blueprint Genetics
Classification: Likely benign. Last evaluated: 2022-07-18. Review status: criteria provided, single submitter. Criteria: ACMG Guidelines, 2015. Collection method: clinical testing. Allele origin: germline.

Literature cited by the submitters: PubMed 17576681 (cited by Labcorp Genetics (formerly Invitae), Labcorp); PubMed 9536098 (cited by Labcorp Genetics (formerly Invitae), Labcorp).

NM_015631.6(TCTN3):c.627+6C>G

Gene: TCTN3 (tectonic family member 3; minus strand). Cytogenetic location: 10q24.1.
Variant type: single nucleotide variant.
Coding change: c.627+6C>G on transcript NM_015631.6 (MANE Select); 6 bases into the intron after coding-DNA position 627, C replaced by G.
Molecular consequence: intron variant.
Genome position (GRCh38, 1-based): chr10:95,687,586, G>C on the plus strand (C>G on the coding strand, the complement: TCTN3 is on the minus strand). VCF-style: chr10-95687586-G-C. GRCh37 (hg19) VCF-style: chr10-97447343-G-C.
Other names: c.500-427C>G (NM_001143973.2).
Identifiers: ClinVar variation 2072646 (VCV002072646.5), dbSNP rs190843846, ClinGen allele CA5621111.